The following is an entry in ClinVar:

ClinVar aggregate classification (germline): Uncertain significance (1 of 4 stars; one submission).

gnomAD v4.1: 1 of 1,604,250 alleles (0.000062%); highest among the groups gnomAD compares: African/African-American, 0.0013%; no homozygotes.

Submission:

Labcorp Genetics (formerly Invitae), Labcorp
Classification: Uncertain significance. Last evaluated: 2023-10-13. Review status: criteria provided, single submitter. Criteria: Invitae Variant Classification Sherloc (09022015). Collection method: clinical testing. Allele origin: germline.
Comment: This sequence change replaces glutamic acid, which is acidic and polar, with glutamine, which is neutral and polar, at codon 1338 of the ALPK3 protein (p.Glu1338Gln). This variant is not present in population databases (gnomAD no frequency). This variant has not been reported in the literature in individuals affected with ALPK3-related conditions. ClinVar contains an entry for this variant (Variation ID: 2126247). Algorithms developed to predict the effect of missense changes on protein structure and function output the following: SIFT: "Not Available"; PolyPhen-2: "Benign"; Align-GVGD: "Not Available". The glutamine amino acid residue is found in multiple mammalian species, which suggests that this missense change does not adversely affect protein function. In summary, the available evidence is currently insufficient to determine the role of this variant in disease. Therefore, it has been classified as a Variant of Uncertain Significance.

NM_020778.5(ALPK3):c.3406G>C (p.Glu1136Gln)

Gene: ALPK3 (alpha kinase 3; plus strand). Cytogenetic location: 15q25.3.
Variant type: single nucleotide variant.
Coding change: c.3406G>C on transcript NM_020778.5 (MANE Select); coding-DNA position 3406, G replaced by C.
Protein change: p.Glu1136Gln; replaces glutamic acid 1136 with glutamine.
Molecular consequence: missense variant.
Genome position (GRCh38, 1-based): chr15:84,858,144, G>C. VCF-style: chr15-84858144-G-C. GRCh37 (hg19) VCF-style: chr15-85401375-G-C.
Other names: short protein forms E1136Q.
Identifiers: ClinVar variation 2126247 (VCV002126247.4), dbSNP rs545657102, ClinGen allele CA393360201.